The following is an entry in ClinVar:

NM_001458.5(FLNC):c.1653G>A (p.Trp551Ter)

Gene: FLNC (filamin C; plus strand). Cytogenetic location: 7q32.1.
Variant type: single nucleotide variant.
Coding change: c.1653G>A on transcript NM_001458.5 (MANE Select); coding-DNA position 1653, G replaced by A.
Protein change: p.Trp551Ter; replaces tryptophan 551 with a stop codon.
Molecular consequence: nonsense.
Genome position (GRCh38, 1-based): chr7:128,840,651, G>A. VCF-style: chr7-128840651-G-A. GRCh37 (hg19) VCF-style: chr7-128480705-G-A.
Other names: c.1653G>A, p.Trp551Ter (NM_001127487.2); short protein forms W551*.
Identifiers: ClinVar variation 3748720 (VCV003748720.2).
Genomic context (GRCh38, chr7:128,840,651, plus strand): 5'-TGTGTTCGAGTGCGAGTACTACCCGGTGGTGCCTGGGAAGTATGTGGTGACCATCACGTG[G>A]GGCGGCTACGCCATCCCTCGCAGGTGAGTACCTTGCGCCCCCCATGCTGTCCTGTCTAGG-3'

ClinVar aggregate classification (germline): Pathogenic (1 of 4 stars; one submission).

Conditions:
Hypertrophic cardiomyopathy 26. Also called: Cardiomyopathy, familial hypertrophic, 26. Identifiers: Orphanet 75249, MedGen C4310749, MONDO:0014883, OMIM 617047.
Myofibrillar myopathy 5. Also called: Filaminopathy (type); FILAMINOPATHY, AUTOSOMAL DOMINANT. Identifiers: Orphanet 171445, MedGen C1836050, MONDO:0012289, OMIM 609524.
Distal myopathy with posterior leg and anterior hand involvement. Also called: WILLIAMS DISTAL MYOPATHY. Identifiers: Orphanet 63273, MedGen C3279722, MONDO:0013550, OMIM 614065.

Submission:

Labcorp Genetics (formerly Invitae), Labcorp
Classification: Pathogenic for Distal myopathy with posterior leg and anterior hand involvement; Myofibrillar myopathy 5; Hypertrophic cardiomyopathy 26. Last evaluated: 2024-07-30. Review status: criteria provided, single submitter. Criteria: Invitae Variant Classification Sherloc (09022015). Collection method: clinical testing. Allele origin: germline.
Comment: This sequence change creates a premature translational stop signal (p.Trp551*) in the FLNC gene. It is expected to result in an absent or disrupted protein product. Loss-of-function variants in FLNC are known to be pathogenic (PMID: 27908349). This variant is not present in population databases (gnomAD no frequency). This variant has not been reported in the literature in individuals affected with FLNC-related conditions. For these reasons, this variant has been classified as Pathogenic.

Literature cited by the submitters: PubMed 27908349.